The following is an entry in ClinVar:

NM_005228.5(EGFR):c.409A>C (p.Met137Leu)

Gene: EGFR (epidermal growth factor receptor; plus strand). Cytogenetic location: 7p11.2.
Variant type: single nucleotide variant.
Coding change: c.409A>C on transcript NM_005228.5 (MANE Select); coding-DNA position 409, A replaced by C.
Protein change: p.Met137Leu; replaces methionine 137 with leucine.
Molecular consequence: missense variant. On other transcripts: intron variant (1).
Genome position (GRCh38, 1-based): chr7:55,143,473, A>C. VCF-style: chr7-55143473-A-C. GRCh37 (hg19) VCF-style: chr7-55211166-A-C.
Other names: c.409A>C, p.Met137Leu (NM_001346897.2, NM_001346898.2, NM_001346899.2 and 3 more transcripts); c.250A>C, p.Met84Leu (NM_001346900.2); c.89-12357A>C (NM_001346941.2); short protein forms M137L, M84L.
Identifiers: ClinVar variation 1480530 (VCV001480530.8), dbSNP rs754854319, ClinGen allele CA367575982.

ClinVar aggregate classification (germline): Uncertain significance (1 of 4 stars; one submission).

Conditions:
EGFR-related lung cancer (EGFR). Identifiers: MedGen CN130014.

Submission:

Labcorp Genetics (formerly Invitae), Labcorp
Classification: Uncertain significance for EGFR-related lung cancer. Last evaluated: 2024-11-16. Review status: criteria provided, single submitter. Criteria: Invitae Variant Classification Sherloc (09022015). Collection method: clinical testing. Allele origin: germline.
Comment: This sequence change replaces methionine, which is neutral and non-polar, with leucine, which is neutral and non-polar, at codon 137 of the EGFR protein (p.Met137Leu). This variant is not present in population databases (gnomAD no frequency). This variant has not been reported in the literature in individuals affected with EGFR-related conditions. ClinVar contains an entry for this variant (Variation ID: 1480530). An algorithm developed to predict the effect of missense changes on protein structure and function outputs the following: PolyPhen-2: "Benign". The leucine amino acid residue is found in multiple mammalian species, which suggests that this missense change does not adversely affect protein function. In summary, the available evidence is currently insufficient to determine the role of this variant in disease. Therefore, it has been classified as a Variant of Uncertain Significance.